The following is an entry in ClinVar:

NM_181552.4(CUX1):c.875T>A (p.Leu292Ter)

Gene: CUX1 (cut like homeobox 1; plus strand). Cytogenetic location: 7q22.1.
Variant type: single nucleotide variant.
Coding change: c.875T>A on transcript NM_181552.4 (MANE Select); coding-DNA position 875, T replaced by A.
Protein change: p.Leu292Ter; replaces leucine 292 with a stop codon.
Molecular consequence: nonsense.
Genome position (GRCh38, 1-based): chr7:102,178,515, T>A. VCF-style: chr7-102178515-T-A. GRCh37 (hg19) VCF-style: chr7-101821795-T-A.
Other names: c.908T>A, p.Leu303Ter (NM_001202543.2, NM_001913.5); c.860T>A, p.Leu287Ter (NM_001202544.3); c.770T>A, p.Leu257Ter (NM_001202545.3); c.791T>A, p.Leu264Ter (NM_001202546.3); c.902T>A, p.Leu301Ter (NM_181500.4); short protein forms L257*, L264*, L287*, L292*, L301*, L303*.
Identifiers: ClinVar variation 1805954 (VCV001805954.2), dbSNP rs1586067642, ClinGen allele CA368666911.

ClinVar aggregate classification (germline): Pathogenic (1 of 4 stars; one submission).

Conditions:
Global developmental delay with or without impaired intellectual development. Identifiers: MedGen C5193032, MONDO:0032680, OMIM 618330.

Submission:

Victorian Clinical Genetics Services, Murdoch Childrens Research Institute
Classification: Pathogenic for Global developmental delay with or without impaired intellectual development. Last evaluated: 2023-07-17. Review status: criteria provided, single submitter. Criteria: ACMG Guidelines, 2015. Collection method: clinical testing. Allele origin: germline. Inheritance: Autosomal dominant inheritance. Affected: yes.
Comment: Based on the classification scheme VCGS_Germline_v1.3.4, this variant is classified as Pathogenic. Following criteria are met: 0102 - Loss of function is a known mechanism of disease in this gene and is associated with global developmental delay with or without impaired intellectual development (MIM#618330). (I) 0107 - This gene is associated with autosomal dominant disease. (I) 0201 - Variant is predicted to cause nonsense-mediated decay (NMD) and loss of protein (premature termination codon is located at least 54 nucleotides upstream of the final exon-exon junction). (SP) 0251 - This variant is heterozygous. (I) 0301 - Variant is absent from gnomAD (both v2 and v3). (SP) 0702 - Other NMD-predicted variants comparable to the one identified in this case have strong previous evidence for pathogenicity. These variants have been reported as pathogenic, likely pathogenic or VUS, and observed in individuals with a neurodevelopmental disorder or nonsyndromic global developmental delay (GDD) (ClinVar, PMID: 30014507). An additional two variants have been described as VUS and reported as de novo in individuals with features including hypertelorism, ptosis or mild GDD. One of these individuals had an additional de novo likely pathogenic variant in the PHIP gene (DECIPHER). (SP) 0807 - This variant has no previous evidence of pathogenicity. (I) 0905 - No published segregation evidence has been identified for this variant. (I) 1007 - No published functional evidence has been identified for this variant. (SP) Legend: (SP) - Supporting pathogenic, (I) - Information, (SB) - Supporting benign

Literature cited by the submitters: PubMed 30014507.